The following is an entry in ClinVar:

ClinVar aggregate classification (germline): Uncertain significance (1 of 4 stars; one submission).

Submission:

CeGaT Center for Human Genetics Tuebingen
Classification: Uncertain significance. Last evaluated: 2026-05-01. Review status: criteria provided, single submitter. Criteria: CeGaT Center For Human Genetics Tuebingen Variant Classification Criteria Version 2. Collection method: clinical testing. Allele origin: germline. Affected: yes. Observed: 1 variant allele.
Comment: GABRG2: PM2, PM4:Supporting

NM_198904.4(GABRG2):c.526_528del (p.Gly176del)

Gene: GABRG2 (gamma-aminobutyric acid type A receptor subunit gamma2; plus strand). Cytogenetic location: 5q34.
Variant type: Deletion.
Coding change: c.526_528del on transcript NM_198904.4 (MANE Select); coding-DNA positions 526 to 528, 3 bases deleted (GGT; older notation c.526_528delGGT).
Protein change: p.Gly176del; deletes glycine 176.
Molecular consequence: inframe deletion.
Genome position (GRCh38, 1-based): chr5:162,097,836-162,097,838, GGT deleted; deleting any 3 consecutive bases within chr5:162,097,835-162,097,838 gives the same sequence; the c. name uses the placement nearest the transcript's 3' end. VCF-style (leftmost placement, unchanged base first): chr5-162097834-ATGG-A. GRCh37 (hg19) VCF-style: chr5-161524840-ATGG-A.
Other names: c.526_528del, p.Gly176del (NM_000816.3, NM_001375340.1, NM_001375341.1 and 4 more transcripts); c.517_519del, p.Gly173del (NM_001375339.1); c.460_462del, p.Gly154del (NM_001375345.1, NM_001375346.1); c.439_441del, p.Gly147del (NM_001375347.1); c.106_108del, p.Gly36del (NM_001375348.1, NM_001375350.1); c.241_243del, p.Gly81del (NM_001375349.1); short protein forms G147del, G154del, G173del, G176del, G36del, G81del.
Identifiers: ClinVar variation 4874859 (VCV004874859.2).